The following is an entry in ClinVar:

ClinVar aggregate classification (germline): Uncertain significance (1 of 4 stars; one submission).

Conditions:
Hypertrophic cardiomyopathy. Also called: HYPERTROPHIC MYOCARDIOPATHY. Identifiers: Orphanet 217569, MedGen C0007194, MeSH D002312, MONDO:0005045, HP:0001639.

Submission:

Labcorp Genetics (formerly Invitae), Labcorp
Classification: Uncertain significance for Hypertrophic cardiomyopathy. Last evaluated: 2021-10-11. Review status: criteria provided, single submitter. Criteria: Invitae Variant Classification Sherloc (09022015). Collection method: clinical testing. Allele origin: germline.
Comment: This variant has not been reported in the literature in individuals affected with MYBPC3-related conditions. Algorithms developed to predict the effect of missense changes on protein structure and function (SIFT, PolyPhen-2, Align-GVGD) all suggest that this variant is likely to be disruptive. In summary, the available evidence is currently insufficient to determine the role of this variant in disease. Therefore, it has been classified as a Variant of Uncertain Significance. This variant is not present in population databases (ExAC no frequency). This sequence change replaces tryptophan with serine at codon 683 of the MYBPC3 protein (p.Trp683Ser). The tryptophan residue is highly conserved and there is a large physicochemical difference between tryptophan and serine.

NM_000256.3(MYBPC3):c.2048G>C (p.Trp683Ser)

Gene: MYBPC3 (myosin binding protein C3; minus strand). Cytogenetic location: 11p11.2.
Variant type: single nucleotide variant.
Coding change: c.2048G>C on transcript NM_000256.3 (MANE Select); coding-DNA position 2048, G replaced by C.
Protein change: p.Trp683Ser; replaces tryptophan 683 with serine.
Molecular consequence: missense variant.
Genome position (GRCh38, 1-based): chr11:47,339,670, C>G on the plus strand (G>C on the coding strand, the complement: MYBPC3 is on the minus strand). VCF-style: chr11-47339670-C-G. GRCh37 (hg19) VCF-style: chr11-47361221-C-G.
Other names: short protein forms W683S.
Identifiers: ClinVar variation 1386093 (VCV001386093.6), dbSNP rs397515942, ClinGen allele CA380321394.